The following is an entry in ClinVar:

ClinVar aggregate classification (germline): Likely benign. Review status: criteria provided, multiple submitters, no conflicts (2 of 4 stars). 2 submissions from 2 submitters: Likely benign (2). Last evaluated 2025-11-05.

Allele frequency attached by ClinVar (database versions not stated): gnomAD 0.00001; ExAC 0.00002; gnomAD exomes 0.00002; TOPMed 0.00002.
gnomAD v4.1: 26 of 1,611,238 alleles (0.0016%); highest among the groups gnomAD compares: Middle Eastern, 0.017%; no homozygotes.

Submissions (2):

Labcorp Genetics (formerly Invitae), Labcorp
Classification: Likely benign. Last evaluated: 2025-11-05. Review status: criteria provided, single submitter. Criteria: Invitae Variant Classification Sherloc (09022015). Collection method: clinical testing. Allele origin: germline.

CeGaT Center for Human Genetics Tuebingen
Classification: Likely benign. Last evaluated: 2022-10-01. Review status: criteria provided, single submitter. Criteria: CeGaT Center For Human Genetics Tuebingen Variant Classification Criteria Version 2. Collection method: clinical testing. Allele origin: germline. Affected: yes. Observed: 1 variant allele.
Comment: ATP13A3: BP4, BP7

NM_001367549.1(ATP13A3):c.2430G>A (p.Pro810=)

Gene: ATP13A3 (ATPase 13A3; minus strand). Cytogenetic location: 3q29.
Variant type: single nucleotide variant.
Coding change: c.2430G>A on transcript NM_001367549.1 (MANE Select); coding-DNA position 2430, G replaced by A.
Protein change: p.Pro810=; no amino-acid change (proline 810 retained).
Molecular consequence: synonymous variant. On other transcripts: non-coding transcript variant (2).
Genome position (GRCh38, 1-based): chr3:194,431,218, C>T on the plus strand (G>A on the coding strand, the complement: ATP13A3 is on the minus strand). VCF-style: chr3-194431218-C-T. GRCh37 (hg19) VCF-style: chr3-194151947-C-T.
Other names: c.2349G>A, p.Pro783= (NM_001374836.1); c.2430G>A, p.Pro810= (NM_024524.4).
Identifiers: ClinVar variation 2654363 (VCV002654363.25), dbSNP rs748810295, ClinGen allele CA2761666.